The following is an entry in ClinVar:

NM_000059.4(BRCA2):c.8285del (p.Pro2762fs)

Gene: BRCA2 (BRCA2 DNA repair associated; plus strand). Cytogenetic location: 13q13.1.
Variant type: Deletion.
Coding change: c.8285del on transcript NM_000059.4 (MANE Select); coding-DNA position 8285, one base deleted (C; older notation c.8285delC).
Protein change: p.Pro2762fs; shifts the reading frame from proline 2762.
Molecular consequence: frameshift variant.
Genome position (GRCh38, 1-based): chr13:32,363,487, C deleted; the last of 2 consecutive C bases (chr13:32,363,486-32,363,487); deleting either gives the same sequence. VCF-style (leftmost placement, unchanged base first): chr13-32363485-TC-T. GRCh37 (hg19) VCF-style: chr13-32937622-TC-T.
Other names: 8513delC; c.8285delC (NM_000059.3).
Identifiers: ClinVar variation 52540 (VCV000052540.14), dbSNP rs397507972, ClinGen allele CA025550.

ClinVar aggregate classification (germline): Pathogenic. Review status: reviewed by expert panel (3 of 4 stars). 6 submissions from 6 submitters: Pathogenic (1). 5 of the submissions do not count toward it. Last evaluated 2016-10-18.

Conditions:
Hereditary breast ovarian cancer syndrome. Also called: Hereditary breast and ovarian cancer syndrome; Hereditary breast and ovarian cancer; Hereditary breast and ovarian cancer syndrome (HBOC); Breast and ovarian cancer; Hereditary breast and/or ovarian cancer syndrome; BRCA1- and BRCA2-Associated Hereditary Breast and Ovarian Cancer. Identifiers: Orphanet 145, MedGen C0677776, MeSH D061325, MONDO:0003582. Disease mechanism: loss of function.
Breast-ovarian cancer, familial, susceptibility to, 2 (BROVCA2). Also called: BRCA2 Hereditary Breast and Ovarian Cancer. Identifiers: Orphanet 145, MedGen C2675520, MONDO:0012933, OMIM 612555. Disease mechanism: loss of function.
Hereditary cancer-predisposing syndrome. Also called: Neoplastic Syndromes, Hereditary; Tumor predisposition; Hereditary neoplastic syndrome; Hereditary Cancer Syndrome. Identifiers: Orphanet 140162, MedGen C0027672, MeSH D009386, MONDO:0015356.

Submissions (6):

Evidence-based Network for the Interpretation of Germline Mutant Alleles (ENIGMA)
Classification: Pathogenic for Breast-ovarian cancer, familial, susceptibility to, 2. Last evaluated: 2016-10-18. Review status: reviewed by expert panel. Criteria: ENIGMA BRCA1/2 Classification Criteria (2015). Collection method: curation. Allele origin: germline.
Comment: Variant allele predicted to encode a truncated non-functional protein.

Ambry Genetics
Classification: Pathogenic for Hereditary cancer-predisposing syndrome. Last evaluated: 2025-07-28. Review status: criteria provided, single submitter. Criteria: Ambry Variant Classification Scheme 2023. Collection method: clinical testing. Allele origin: germline. Not counted in ClinVar's aggregate classification.
Comment: The c.8285delC pathogenic mutation, located in coding exon 17 of the BRCA2 gene, results from a deletion of one nucleotide at nucleotide position 8285, causing a translational frameshift with a predicted alternate stop codon (p.P2762Lfs*15). This variant (designated as 8513delC) has previously been reported in a family with HBOC related cancers in at least two generations and was identified in a large, worldwide study of BRCA1/2 mutation positive families (Litton JK et al. Cancer. 2012 Jan; 118(2):321-5; Rebbeck TR et al. Hum Mutat. 2018 05;39:593-620). This variant is considered to be rare based on population cohorts in the Genome Aggregation Database (gnomAD). In addition to the clinical data presented in the literature, this alteration is expected to result in loss of function by premature protein truncation or nonsense-mediated mRNA decay. As such, this alteration is interpreted as a disease-causing mutation.

Labcorp Genetics (formerly Invitae), Labcorp
Classification: Pathogenic for Hereditary breast ovarian cancer syndrome. Last evaluated: 2024-08-20. Review status: criteria provided, single submitter. Criteria: Invitae Variant Classification Sherloc (09022015). Collection method: clinical testing. Allele origin: germline. Not counted in ClinVar's aggregate classification.
Comment: This sequence change creates a premature translational stop signal (p.Pro2762Leufs*15) in the BRCA2 gene. It is expected to result in an absent or disrupted protein product. Loss-of-function variants in BRCA2 are known to be pathogenic (PMID: 20104584). This variant is not present in population databases (gnomAD no frequency). This premature translational stop signal has been observed in individual(s) with breast and/or ovarian cancer (PMID: 21913181). This variant is also known as 8513delC. ClinVar contains an entry for this variant (Variation ID: 52540). For these reasons, this variant has been classified as Pathogenic.

Women's Health and Genetics/Laboratory Corporation of America, LabCorp
Classification: Pathogenic for Hereditary breast ovarian cancer syndrome. Last evaluated: 2024-07-18. Review status: criteria provided, single submitter. Criteria: LabCorp Variant Classification Summary - May 2015. Collection method: clinical testing. Allele origin: germline. Not counted in ClinVar's aggregate classification.
Comment: Variant summary: BRCA2 c.8285delC (p.Pro2762LeufsX15), also reported as "8513delC", results in a premature termination codon, predicted to cause a truncation of the encoded protein or absence of the protein due to nonsense mediated decay, which are commonly known mechanisms for disease. The variant was absent in 248612 control chromosomes. c.8285delC has been reported in the literature in the heterozygous state in at least 1 individual affected with Hereditary Breast And Ovarian Cancer Syndrome (example, Litton_2012). To our knowledge, no experimental evidence demonstrating an impact on protein function has been reported. The following publication has been ascertained in the context of this evaluation (PMID: 21913181). ClinVar contains an entry for this variant (Variation ID: 52540). Based on the evidence outlined above, the variant was classified as pathogenic.

Quest Diagnostics Nichols Institute San Juan Capistrano
Classification: Pathogenic. Last evaluated: 2024-01-25. Review status: criteria provided, single submitter. Criteria: Quest Diagnostics criteria. Collection method: clinical testing. Allele origin: unknown. Not counted in ClinVar's aggregate classification.
Comment: The BRCA2 c.8285del (p.Pro2762Leufs*15) variant alters the translational reading frame of the BRCA2 mRNA and is predicted to cause the premature termination of BRCA2 protein synthesis. This variant has been reported in the published literature in several BRCA1/2 studies, however those identified with the variant have unspecified affected status (PMIDs: 29446198 (2018), 21913181 (2012)). This variant has not been reported in large, multi-ethnic general populations (Genome Aggregation Database). Based on the available information, this variant is classified as pathogenic.

Consortium of Investigators of Modifiers of BRCA1/2 (CIMBA), c/o University of Cambridge
Classification: Pathogenic for Breast-ovarian cancer, familial, susceptibility to, 2. Last evaluated: 2015-10-02. Review status: criteria provided, single submitter. Criteria: CIMBA Mutation Classification guidelines May 2016. Collection method: clinical testing. Allele origin: germline. Not counted in ClinVar's aggregate classification.

Literature cited by the submitters: PubMed 21913181 (cited by 4 submitters); PubMed 29446198 (cited by Ambry Genetics and Quest Diagnostics Nichols Institute San Juan Capistrano); PubMed 20104584 (cited by Labcorp Genetics (formerly Invitae), Labcorp); PubMed 32486089 (cited by Quest Diagnostics Nichols Institute San Juan Capistrano).